The following is an entry in ClinVar:

NM_015533.4(TKFC):c.856C>T (p.Arg286Cys)

Gene: TKFC (triokinase and FMN cyclase; plus strand). Cytogenetic location: 11q12.2.
Variant type: single nucleotide variant.
Coding change: c.856C>T on transcript NM_015533.4 (MANE Select); coding-DNA position 856, C replaced by T.
Protein change: p.Arg286Cys; replaces arginine 286 with cysteine.
Molecular consequence: missense variant.
Genome position (GRCh38, 1-based): chr11:61,342,835, C>T. VCF-style: chr11-61342835-C-T. GRCh37 (hg19) VCF-style: chr11-61110307-C-T.
Other names: c.856C>T, p.Arg286Cys (NM_001351976.2, NM_001351977.2, NM_001351978.2 and 1 more transcripts); c.646C>T, p.Arg216Cys (NM_001351980.2); short protein forms R216C, R286C.
Identifiers: ClinVar variation 4882717 (VCV004882717.2).
Genomic context (GRCh38, chr11:61,342,835, plus strand): 5'-GTCAACAACCTGGGTGGCCTGTCATTCCTGGAACTGGGCATCATAGCCGACGCTACCGTC[C>T]GCTCCCTGGGTGAGCCATGCACTGGGAAGGGGATCCTACAGCCCTTTGGAAAGGGCTGAG-3'
Protein context (NP_056348.2, residues 276-296): ELGIIADATV[Arg286Cys]SLEGRGVKIA

ClinVar aggregate classification (germline): Uncertain significance (1 of 4 stars; one submission).

Conditions:
Triokinase and FMN cyclase deficiency syndrome. Identifiers: MedGen C5394125, MONDO:0032927, OMIM 618805.

gnomAD v4.1: 85 of 1,613,860 alleles (0.0053%); highest among the groups gnomAD compares: Middle Eastern, 0.033%; no homozygotes.

Submission:

Dasa
Classification: Uncertain significance for Triokinase and FMN cyclase deficiency syndrome. Last evaluated: 2025-11-10. Review status: criteria provided, single submitter. Criteria: DASA Assertion Criteria. Collection method: clinical testing. Allele origin: germline.
Comment: NM_015533.4(TKFC):c.856C>T (p.Arg286Cys) is a missense variant that results in the substitution of arginine with cysteine. This variant is rare in population databases. Computational prediction algorithms are consistent with a benign effect. The currently available literature and clinical evidence are not sufficient to establish a definitive association between this variant and the reported condition. Therefore, this variant is classified as a variant of uncertain significance.